The following is an entry in ClinVar:

NM_001205293.3(CACNA1E):c.2584G>A (p.Asp862Asn)

Gene: CACNA1E (calcium voltage-gated channel subunit alpha1 E; plus strand). Cytogenetic location: 1q25.3.
Variant type: single nucleotide variant.
Coding change: c.2584G>A on transcript NM_001205293.3 (MANE Select); coding-DNA position 2584, G replaced by A.
Protein change: p.Asp862Asn; replaces aspartic acid 862 with asparagine.
Molecular consequence: missense variant.
Genome position (GRCh38, 1-based): chr1:181,732,670, G>A. VCF-style: chr1-181732670-G-A. GRCh37 (hg19) VCF-style: chr1-181701806-G-A.
Other names: c.2527G>A, p.Asp843Asn (NM_001205294.2); c.2584G>A, p.Asp862Asn (NM_000721.4); c.2584G>A (NM_001205293.1); short protein forms D843N, D862N.
Identifiers: ClinVar variation 3769707 (VCV003769707.2).

ClinVar aggregate classification (germline): Uncertain significance. Review status: criteria provided, multiple submitters, no conflicts (2 of 4 stars). 2 submissions from 2 submitters: Uncertain significance (2). Last evaluated 2025-09-22.

Conditions:
Inborn genetic diseases. Identifiers: MedGen C0950123, MeSH D030342.

gnomAD v4.1: 1 of 1,522,970 alleles (0.000066%); highest among the groups gnomAD compares: Non-Finnish European, 0.000088%; no homozygotes.

Submissions (2):

Ambry Genetics
Classification: Uncertain significance for Inborn genetic diseases. Last evaluated: 2025-09-22. Review status: criteria provided, single submitter. Criteria: Ambry Variant Classification Scheme 2023. Collection method: clinical testing. Allele origin: germline.

GeneDx
Classification: Uncertain significance. Last evaluated: 2024-09-17. Review status: criteria provided, single submitter. Criteria: GeneDx Variant Classification Process June 2021. Collection method: clinical testing. Allele origin: germline. Affected: yes.
Comment: Not observed at significant frequency in large population cohorts (gnomAD); In silico analysis indicates that this missense variant does not alter protein structure/function; Has not been previously published as pathogenic or benign to our knowledge